The following is an entry in ClinVar:

ClinVar aggregate classification (germline): Uncertain significance. Review status: criteria provided, multiple submitters, no conflicts (2 of 4 stars). 2 submissions from 2 submitters: Uncertain significance (2). Last evaluated 2020-03-05.

Conditions:
Dilated cardiomyopathy 1G (CMD1G). Identifiers: Orphanet 154, MedGen C1858763, MONDO:0011400, OMIM 604145.
Autosomal recessive limb-girdle muscular dystrophy type 2J (LGMDR10). Also called: Limb-girdle muscular dystrophy, type 2J; MUSCULAR DYSTROPHY, LIMB-GIRDLE, AUTOSOMAL RECESSIVE 10. Identifiers: Orphanet 140922, MedGen C1837342, MONDO:0012127, OMIM 608807.
Cardiovascular phenotype. Identifiers: MedGen CN230736.

Submissions (2):

Ambry Genetics
Classification: Uncertain significance for Cardiovascular phenotype. Last evaluated: 2020-03-05. Review status: criteria provided, single submitter. Criteria: Ambry Variant Classification Scheme 2023. Collection method: clinical testing. Allele origin: germline.
Comment: The p.M11958I variant (also known as c.35874G>C), located in coding exon 131 of the TTN gene, results from a G to C substitution at nucleotide position 35874. The methionine at codon 11958 is replaced by isoleucine, an amino acid with highly similar properties. This amino acid position is poorly conserved in available vertebrate species. In addition, this alteration is predicted to be tolerated by in silico analysis. Since supporting evidence is limited at this time, the clinical significance of this alteration remains unclear.

Labcorp Genetics (formerly Invitae), Labcorp
Classification: Uncertain significance for Dilated cardiomyopathy 1G; Autosomal recessive limb-girdle muscular dystrophy type 2J. Last evaluated: 2016-08-17. Review status: criteria provided, single submitter. Criteria: Invitae Variant Classification Sherloc (09022015). Collection method: clinical testing. Allele origin: germline.

NM_001267550.2(TTN):c.63069G>C (p.Met21023Ile)

Genes: TTN-AS1 (TTN antisense RNA 1; plus strand), TTN (titin; minus strand). Cytogenetic location: 2q31.2.
Variant type: single nucleotide variant.
Coding change: c.63069G>C on transcript NM_001267550.2 (MANE Select); coding-DNA position 63069, G replaced by C.
Protein change: p.Met21023Ile; replaces methionine 21023 with isoleucine.
Molecular consequence: missense variant.
Genome position (GRCh38, 1-based): chr2:178,588,656, C>G on the plus strand (G>C on the coding strand, the complement: TTN is on the minus strand). VCF-style: chr2-178588656-C-G. GRCh37 (hg19) VCF-style: chr2-179453383-C-G.
Other names: c.58146G>C, p.Met19382Ile (NM_001256850.1); c.35874G>C, p.Met11958Ile (NM_003319.4); c.55365G>C, p.Met18455Ile (NM_133378.4); c.36249G>C, p.Met12083Ile (NM_133432.3); c.36450G>C, p.Met12150Ile (NM_133437.4); short protein forms M21023I, M12083I, M12150I, M11958I, M19382I, M18455I.
Identifiers: ClinVar variation 405192 (VCV000405192.5), dbSNP rs1060500596, ClinGen allele CA16610366.